The following is an entry in ClinVar:

ClinVar aggregate classification (germline): Benign/Likely benign. Review status: criteria provided, multiple submitters, no conflicts (2 of 4 stars). 2 submissions from 2 submitters: Benign (1); Likely benign (1). Last evaluated 2024-04-23.

Conditions:
Ataxia-telangiectasia syndrome (AT). Also called: Cerebello-oculocutaneous telangiectasia; Immunodeficiency with ataxia telangiectasia; Ataxia-telangiectasia, complementation group E; LOUIS-BAR SYNDROME; Ataxia telangiectasia (A-T); AT, COMPLEMENTATION GROUP C. Identifiers: Orphanet 100, MedGen C0004135, MONDO:0008840, OMIM 208900.
Familial cancer of breast. Also called: BREAST CANCER, FAMILIAL; Hereditary breast cancer; hereditary breast carcinoma. Identifiers: Orphanet 227535, MedGen C0346153, MONDO:0016419, OMIM 114480. Disease mechanism: loss of function.

Submissions (2):

Myriad Genetics, Inc.
Classification: Benign for Familial cancer of breast. Last evaluated: 2024-04-23. Review status: criteria provided, single submitter. Criteria: Myriad Autosomal Dominant, Autosomal Recessive and X-Linked Classification Criteria (2023). Collection method: clinical testing. Allele origin: unknown.
Comment: This variant is considered benign. This variant is a silent/synonymous amino acid change and it is not expected to impact splicing.

Labcorp Genetics (formerly Invitae), Labcorp
Classification: Likely benign for Ataxia-telangiectasia syndrome. Last evaluated: 2023-12-16. Review status: criteria provided, single submitter. Criteria: Invitae Variant Classification Sherloc (09022015). Collection method: clinical testing. Allele origin: germline.

NM_000051.4(ATM):c.864T>C (p.Tyr288=)

Gene: ATM (ATM serine/threonine kinase; plus strand). Cytogenetic location: 11q22.3.
Variant type: single nucleotide variant.
Coding change: c.864T>C on transcript NM_000051.4 (MANE Select); coding-DNA position 864, T replaced by C.
Protein change: p.Tyr288=; no amino-acid change (tyrosine 288 retained).
Molecular consequence: synonymous variant.
Genome position (GRCh38, 1-based): chr11:108,244,989, T>C. VCF-style: chr11-108244989-T-C. GRCh37 (hg19) VCF-style: chr11-108115716-T-C.
Other names: c.864T>C, p.Tyr288= (NM_001351834.2).
Identifiers: ClinVar variation 2703503 (VCV002703503.4), dbSNP rs2135243129, ClinGen allele CA476744524.